The following is an entry in ClinVar:

NM_006514.4(SCN10A):c.2099G>A (p.Gly700Asp)

Gene: SCN10A (sodium voltage-gated channel alpha subunit 10; minus strand). Cytogenetic location: 3p22.2.
Variant type: single nucleotide variant.
Coding change: c.2099G>A on transcript NM_006514.4 (MANE Select); coding-DNA position 2099, G replaced by A.
Protein change: p.Gly700Asp; replaces glycine 700 with aspartic acid.
Molecular consequence: missense variant.
Genome position (GRCh38, 1-based): chr3:38,742,298, C>T on the plus strand (G>A on the coding strand, the complement: SCN10A is on the minus strand). VCF-style: chr3-38742298-C-T. GRCh37 (hg19) VCF-style: chr3-38783789-C-T.
Other names: c.1805G>A, p.Gly602Asp (NM_001293307.2); c.2099G>A (NM_006514.2); c.2099G>A, p.Gly700Asp (NM_001293306.2); short protein forms G602D, G700D.
Identifiers: ClinVar variation 1416224 (VCV001416224.4), dbSNP rs1250669621, ClinGen allele CA352164963.

ClinVar aggregate classification (germline): Uncertain significance. Review status: criteria provided, multiple submitters, no conflicts (2 of 4 stars). 2 submissions from 2 submitters: Uncertain significance (2). Last evaluated 2023-08-03.

Conditions:
Cardiovascular phenotype. Identifiers: MedGen CN230736.
Brugada syndrome. Also called: Sudden unexpected nocturnal death syndrome; Sudden Unexplained Death Syndrome; Sudden Unexplained Nocturnal Death Syndrome (SUNDS); Sudden unexplained nocturnal death syndrome. Identifiers: Orphanet 130, MedGen C1142166, MONDO:0015263.

Allele frequency attached by ClinVar (database versions not stated): gnomAD exomes below 0.00001 and 0.00001; gnomAD 0.00001; TOPMed 0.00001.
gnomAD v4.1: 8 of 1,610,998 alleles (0.0005%); highest among the groups gnomAD compares: Non-Finnish European, 0.00068%; no homozygotes.

Submissions (2):

Ambry Genetics
Classification: Uncertain significance for Cardiovascular phenotype. Last evaluated: 2023-08-03. Review status: criteria provided, single submitter. Criteria: Ambry Variant Classification Scheme 2023. Collection method: clinical testing. Allele origin: germline.
Comment: The p.G700D variant (also known as c.2099G>A), located in coding exon 13 of the SCN10A gene, results from a G to A substitution at nucleotide position 2099. The glycine at codon 700 is replaced by aspartic acid, an amino acid with similar properties. This amino acid position is conserved. In addition, this alteration is predicted to be deleterious by in silico analysis. Since supporting evidence is limited at this time, the clinical significance of this alteration remains unclear.

Labcorp Genetics (formerly Invitae), Labcorp
Classification: Uncertain significance for Brugada syndrome. Last evaluated: 2021-08-17. Review status: criteria provided, single submitter. Criteria: Invitae Variant Classification Sherloc (09022015). Collection method: clinical testing. Allele origin: germline.
Comment: This sequence change replaces glycine with aspartic acid at codon 700 of the SCN10A protein (p.Gly700Asp). The glycine residue is highly conserved and there is a moderate physicochemical difference between glycine and aspartic acid. This variant is not present in population databases (ExAC no frequency). This variant has not been reported in the literature in individuals affected with SCN10A-related conditions. Advanced modeling of protein sequence and biophysical properties (such as structural, functional, and spatial information, amino acid conservation, physicochemical variation, residue mobility, and thermodynamic stability) performed at Invitae indicates that this missense variant is expected to disrupt SCN10A protein function. In summary, the available evidence is currently insufficient to determine the role of this variant in disease. Therefore, it has been classified as a Variant of Uncertain Significance.